The following is an entry in ClinVar:

NM_001003699.4(RREB1):c.3539G>A (p.Ser1180Asn)

Gene: RREB1 (ras responsive element binding protein 1; plus strand). Cytogenetic location: 6p24.3.
Variant type: single nucleotide variant.
Coding change: c.3539G>A on transcript NM_001003699.4 (MANE Select); coding-DNA position 3539, G replaced by A.
Protein change: p.Ser1180Asn; replaces serine 1180 with asparagine.
Molecular consequence: missense variant.
Genome position (GRCh38, 1-based): chr6:7,231,638, G>A. VCF-style: chr6-7231638-G-A. GRCh37 (hg19) VCF-style: chr6-7231871-G-A.
Other names: c.3539G>A, p.Ser1180Asn (NM_001003698.4, NM_001003700.2, NM_001168344.2); short protein forms S1180N.
Identifiers: ClinVar variation 4055814 (VCV004055814.1).

ClinVar aggregate classification (germline): Uncertain significance (1 of 4 stars; one submission).

Submission:

GeneDx
Classification: Uncertain significance. Last evaluated: 2024-01-09. Review status: criteria provided, single submitter. Criteria: GeneDx Variant Classification Process June 2021. Collection method: clinical testing. Allele origin: germline. Affected: yes.
Comment: Not observed at significant frequency in large population cohorts (gnomAD); In silico analysis supports that this missense variant does not alter protein structure/function; Has not been previously published as pathogenic or benign to our knowledge; Variants in candidate genes are classified as variants of uncertain significance in accordance with ACMG guidelines (PMID: 25741868)